The following is an entry in ClinVar:

ClinVar aggregate classification (germline): Uncertain significance (1 of 4 stars; one submission).

Conditions:
Congenital myasthenic syndrome 18. Also called: MYASTHENIC SYNDROME, CONGENITAL, 18, WITH INTELLECTUAL DISABILITY AND ATAXIA. Identifiers: Orphanet 590, MedGen C4225364, MONDO:0014590, OMIM 616330.

Submission:

Labcorp Genetics (formerly Invitae), Labcorp
Classification: Uncertain significance for Congenital myasthenic syndrome 18. Last evaluated: 2024-01-08. Review status: criteria provided, single submitter. Criteria: Invitae Variant Classification Sherloc (09022015). Collection method: clinical testing. Allele origin: germline.
Comment: This sequence change replaces serine, which is neutral and polar, with asparagine, which is neutral and polar, at codon 205 of the SNAP25 protein (p.Ser205Asn). This variant is not present in population databases (gnomAD no frequency). This variant has not been reported in the literature in individuals affected with SNAP25-related conditions. An algorithm developed to predict the effect of missense changes on protein structure and function (PolyPhen-2) suggests that this variant is likely to be tolerated. Algorithms developed to predict the effect of sequence changes on RNA splicing suggest that this variant may create or strengthen a splice site. In summary, the available evidence is currently insufficient to determine the role of this variant in disease. Therefore, it has been classified as a Variant of Uncertain Significance.

NM_130811.4(SNAP25):c.614G>A (p.Ser205Asn)

Gene: SNAP25 (synaptosome associated protein 25; plus strand). Cytogenetic location: 20p12.2.
Variant type: single nucleotide variant.
Coding change: c.614G>A on transcript NM_130811.4 (MANE Select); coding-DNA position 614, G replaced by A.
Protein change: p.Ser205Asn; replaces serine 205 with asparagine.
Molecular consequence: missense variant.
Genome position (GRCh38, 1-based): chr20:10,306,190, G>A. VCF-style: chr20-10306190-G-A. GRCh37 (hg19) VCF-style: chr20-10286838-G-A.
Other names: c.614G>A, p.Ser205Asn (NM_001424415.1, NM_001424416.1, NM_003081.5 and 9 more transcripts); short protein forms S205N.
Identifiers: ClinVar variation 2831808 (VCV002831808.3), dbSNP rs2514874016, ClinGen allele CA408266941.